The following is an entry in ClinVar:

ClinVar aggregate classification (germline): Uncertain significance (1 of 4 stars; one submission).

Submission:

Ambry Genetics
Classification: Uncertain significance. Last evaluated: 2024-01-25. Review status: criteria provided, single submitter. Criteria: Ambry Variant Classification Scheme 2023. Collection method: clinical testing. Allele origin: germline.
Comment: The p.T663S variant (also known as c.1988C>G), located in coding exon 13 of the POLQ gene, results from a C to G substitution at nucleotide position 1988. The threonine at codon 663 is replaced by serine, an amino acid with similar properties. This amino acid position is conserved. In addition, this alteration is predicted to be tolerated by in silico analysis. Based on the available evidence, the clinical significance of this alteration remains unclear.

NM_199420.4(POLQ):c.1988C>G (p.Thr663Ser)

Gene: POLQ (DNA polymerase theta; minus strand). Cytogenetic location: 3q13.33.
Variant type: single nucleotide variant.
Coding change: c.1988C>G on transcript NM_199420.4 (MANE Select); coding-DNA position 1988, C replaced by G.
Protein change: p.Thr663Ser; replaces threonine 663 with serine.
Molecular consequence: missense variant.
Genome position (GRCh38, 1-based): chr3:121,498,642, G>C on the plus strand (C>G on the coding strand, the complement: POLQ is on the minus strand). VCF-style: chr3-121498642-G-C. GRCh37 (hg19) VCF-style: chr3-121217489-G-C.
Other names: short protein forms T663S.
Identifiers: ClinVar variation 3229867 (VCV003229867.1), dbSNP rs2546794857, ClinGen allele CA354110969.
Genomic context (GRCh38, chr3:121,498,642, plus strand): 5'-ACCCTTTTCATTGAAGTTGGCAACTTCTCCCATAAACAGAAAAATCGATACCAATCAATA[G>C]TAGTCCAATCCTCAAACATAGGTGTAACCTAAAAGGAAGAAGTATTATTCATTAACTAAA-3'
Protein context (NP_955452.3, residues 653-673): LVTPMFEDWT[Thr663Ser]IDWYRFFCLW